The following is an entry in ClinVar:

ClinVar aggregate classification (germline): Likely pathogenic (1 of 4 stars; one submission).

Submission:

GeneDx
Classification: Likely pathogenic. Last evaluated: 2017-12-18. Review status: criteria provided, single submitter. Criteria: GeneDx Variant Classification (06012015). Collection method: clinical testing. Allele origin: germline. Affected: yes.
Comment: A variant that is likely pathogenic has been identified in the ALDH7A1 gene. The W182X variant has not been published as a pathogenic variant, nor has it been reported as a benign variant to ourknowledge. The W182X nonsense variant in the ALDH7A1 gene is predicted to cause loss of normalprotein function either through protein truncation or nonsense-mediated mRNA decay. The W182Xvariant is not observed in large population cohorts (Lek et al., 2016). Therefore, this variant is likely pathogenic; however, the possibility that it is benign cannot be excluded.

NM_001182.5(ALDH7A1):c.545G>A (p.Trp182Ter)

Gene: ALDH7A1 (aldehyde dehydrogenase 7 family member A1; minus strand). Cytogenetic location: 5q23.2.
Variant type: single nucleotide variant.
Coding change: c.545G>A on transcript NM_001182.5 (MANE Select); coding-DNA position 545, G replaced by A.
Protein change: p.Trp182Ter; replaces tryptophan 182 with a stop codon.
Molecular consequence: nonsense.
Genome position (GRCh38, 1-based): chr5:126,577,184, C>T on the plus strand (G>A on the coding strand, the complement: ALDH7A1 is on the minus strand). VCF-style: chr5-126577184-C-T. GRCh37 (hg19) VCF-style: chr5-125912876-C-T.
Other names: c.461G>A, p.Trp154Ter (NM_001201377.2); c.545G>A, p.Trp182Ter (NM_001202404.2); short protein forms W182*, W154*.
Identifiers: ClinVar variation 488737 (VCV000488737.2), dbSNP rs1554100454, ClinGen allele CA360731195.